The following is an entry in ClinVar:

ClinVar aggregate classification (germline): Uncertain significance. Review status: criteria provided, multiple submitters, no conflicts (2 of 4 stars). 2 submissions from 2 submitters: Uncertain significance (2). Last evaluated 2025-06-09.

Allele frequency attached by ClinVar (database versions not stated): ExAC 0.00002; gnomAD exomes 0.00004 and 0.00005; ESP Exome Variant Server 0.00008; 1000 Genomes Project 30x 0.00016; 1000 Genomes Project 0.00020.
gnomAD v4.1: 90 of 1,613,436 alleles (0.0056%); highest among the groups gnomAD compares: Non-Finnish European, 0.006%; no homozygotes.

Submissions (2):

Labcorp Genetics (formerly Invitae), Labcorp
Classification: Uncertain significance. Last evaluated: 2025-06-09. Review status: criteria provided, single submitter. Criteria: Invitae Variant Classification Sherloc (09022015). Collection method: clinical testing. Allele origin: germline.
Comment: This sequence change replaces arginine, which is basic and polar, with glutamine, which is neutral and polar, at codon 963 of the LAMC3 protein (p.Arg963Gln). This variant is present in population databases (rs151159947, gnomAD 0.01%). This variant has not been reported in the literature in individuals affected with LAMC3-related conditions. ClinVar contains an entry for this variant (Variation ID: 1303503). An algorithm developed to predict the effect of missense changes on protein structure and function (PolyPhen-2) suggests that this variant is likely to be disruptive. In summary, the available evidence is currently insufficient to determine the role of this variant in disease. Therefore, it has been classified as a Variant of Uncertain Significance.

GeneDx
Classification: Uncertain significance. Last evaluated: 2020-03-17. Review status: criteria provided, single submitter. Criteria: GeneDx Variant Classification Process June 2021. Collection method: clinical testing. Allele origin: germline. Affected: yes.
Comment: In silico analysis supports that this missense variant does not alter protein structure/function; Has not been previously published as pathogenic or benign to our knowledge; This variant is associated with the following publications: (PMID: 28191889)

NM_006059.4(LAMC3):c.2888G>A (p.Arg963Gln)

Gene: LAMC3 (laminin subunit gamma 3; plus strand). Cytogenetic location: 9q34.12.
Variant type: single nucleotide variant.
Coding change: c.2888G>A on transcript NM_006059.4 (MANE Select); coding-DNA position 2888, G replaced by A.
Protein change: p.Arg963Gln; replaces arginine 963 with glutamine.
Molecular consequence: missense variant.
Genome position (GRCh38, 1-based): chr9:131,069,048, G>A. VCF-style: chr9-131069048-G-A. GRCh37 (hg19) VCF-style: chr9-133944435-G-A.
Other names: short protein forms R963Q.
Identifiers: ClinVar variation 1303503 (VCV001303503.6), dbSNP rs151159947, ClinGen allele CA5287597.